The following is an entry in ClinVar:

ClinVar aggregate classification (germline): Pathogenic. Review status: criteria provided, multiple submitters, no conflicts (2 of 4 stars). 2 submissions from 2 submitters: Pathogenic (2). Last evaluated 2024-06-17.

Conditions:
Inborn genetic diseases. Identifiers: MedGen C0950123, MeSH D030342.

Submissions (2):

Ambry Genetics
Classification: Pathogenic for Inborn genetic diseases. Last evaluated: 2024-06-17. Review status: criteria provided, single submitter. Criteria: Ambry Variant Classification Scheme 2023. Collection method: clinical testing. Allele origin: germline.
Comment: The c.578delA (p.D193Afs*6) alteration, located in exon 3 (coding exon 3) of the WNT1 gene, consists of a deletion of one nucleotide at position 578, causing a translational frameshift with a predicted alternate stop codon after 6 amino acids. This alteration occurs at the 3' terminus of the WNT1 gene, is not expected to trigger nonsense-mediated mRNA decay, and impacts the last 48% of the protein. However, premature stop codons are typically deleterious in nature, the impacted region is critical for protein function, and a significant portion of the protein is affected (Ambry internal data). This variant was not reported in population-based cohorts in the Genome Aggregation Database (gnomAD). Based on the available evidence, this alteration is classified as pathogenic.

Labcorp Genetics (formerly Invitae), Labcorp
Classification: Pathogenic. Last evaluated: 2024-03-13. Review status: criteria provided, single submitter. Criteria: Invitae Variant Classification Sherloc (09022015). Collection method: clinical testing. Allele origin: germline.
Comment: This sequence change creates a premature translational stop signal (p.Asp193Alafs*6) in the WNT1 gene. While this is not anticipated to result in nonsense mediated decay, it is expected to disrupt the last 178 amino acid(s) of the WNT1 protein. This variant is not present in population databases (gnomAD no frequency). This variant has not been reported in the literature in individuals affected with WNT1-related conditions. Algorithms developed to predict the effect of sequence changes on RNA splicing suggest that this variant may disrupt the consensus splice site. This variant disrupts a region of the WNT1 protein in which other variant(s) (p.Cys227*) have been determined to be pathogenic (PMID: 29935254, 30715774). This suggests that this is a clinically significant region of the protein, and that variants that disrupt it are likely to be disease-causing. For these reasons, this variant has been classified as Pathogenic.

Literature cited by the submitters: PubMed 29935254 (cited by Labcorp Genetics (formerly Invitae), Labcorp); PubMed 30715774 (cited by Labcorp Genetics (formerly Invitae), Labcorp).

NM_005430.4(WNT1):c.578del (p.Asp193fs)

Gene: WNT1 (Wnt family member 1; plus strand). Cytogenetic location: 12q13.12.
Variant type: Deletion.
Coding change: c.578del on transcript NM_005430.4 (MANE Select); coding-DNA position 578, one base deleted (A; older notation c.578delA).
Protein change: p.Asp193fs; shifts the reading frame from aspartic acid 193.
Molecular consequence: frameshift variant.
Genome position (GRCh38, 1-based): chr12:48,980,643, A deleted. VCF-style (leftmost placement, unchanged base first): chr12-48980642-GA-G. GRCh37 (hg19) VCF-style: chr12-49374425-GA-G.
Other names: c.578delA (NM_005430.3); short protein forms D193fs.
Identifiers: ClinVar variation 2708745 (VCV002708745.4), dbSNP rs2498947823, ClinGen allele CA2697559187.